The following is an entry in ClinVar:

ClinVar aggregate classification (germline): Pathogenic (1 of 4 stars; one submission).

Submission:

Labcorp Genetics (formerly Invitae), Labcorp
Classification: Pathogenic. Last evaluated: 2022-06-01. Review status: criteria provided, single submitter. Criteria: Invitae Variant Classification Sherloc (09022015). Collection method: clinical testing. Allele origin: germline.
Comment: This sequence change creates a premature translational stop signal (p.Leu374Alafs*8) in the DENND5A gene. It is expected to result in an absent or disrupted protein product. Loss-of-function variants in DENND5A are known to be pathogenic (PMID: 27431290, 27866705). This variant is not present in population databases (gnomAD no frequency). This variant has not been reported in the literature in individuals affected with DENND5A-related conditions. For these reasons, this variant has been classified as Pathogenic.

Literature cited by the submitters: PubMed 27431290; PubMed 27866705.

NM_015213.4(DENND5A):c.1118dup (p.Leu374fs)

Gene: DENND5A (DENN domain containing 5A; minus strand). Cytogenetic location: 11p15.4.
Variant type: Duplication.
Coding change: c.1118dup on transcript NM_015213.4 (MANE Select); coding-DNA position 1118, one base duplicated (A; older notation c.1118dupA).
Protein change: p.Leu374fs; shifts the reading frame from leucine 374.
Molecular consequence: frameshift variant. On other transcripts: non-coding transcript variant (1).
Genome position (GRCh38, 1-based): chr11:9,193,513, T duplicated on the plus strand (A on the coding strand, the reverse complement: DENND5A is on the minus strand); the first of 3 consecutive T bases (chr11:9,193,513-9,193,515); duplicating any one gives the same sequence. VCF-style (leftmost placement, unchanged base first): chr11-9193512-C-CT. GRCh37 (hg19) VCF-style: chr11-9215059-C-CT.
Other names: c.1118dup, p.Leu374fs (NM_001243254.2); c.1116dup, p.Leu374Alafs (NM_001348748.1); c.1046dup, p.Leu350fs (NM_001348749.2); c.830dup, p.Leu278fs (NM_001348750.2); short protein forms L350fs, L374fs, L278fs.
Identifiers: ClinVar variation 2001667 (VCV002001667.4), dbSNP rs2493874595, ClinGen allele CA2580084044.